The following is an entry in ClinVar:

NM_000138.5(FBN1):c.2697del (p.Tyr900fs)

Gene: FBN1 (fibrillin 1; minus strand). Cytogenetic location: 15q21.1.
Variant type: Deletion.
Coding change: c.2697del on transcript NM_000138.5 (MANE Select); coding-DNA position 2697, one base deleted (G; older notation c.2697delG).
Protein change: p.Tyr900fs; shifts the reading frame from tyrosine 900.
Molecular consequence: frameshift variant.
Genome position (GRCh38, 1-based): chr15:48,494,235, C deleted on the plus strand (G on the coding strand, the reverse complement: FBN1 is on the minus strand); the first of 3 consecutive C bases (chr15:48,494,235-48,494,237); deleting any one gives the same sequence. VCF-style (leftmost placement, unchanged base first): chr15-48494234-AC-A. GRCh37 (hg19) VCF-style: chr15-48786431-AC-A.
Other names: c.2697del, p.Tyr900fs (NM_001406716.1); short protein forms Y900fs.
Identifiers: ClinVar variation 4783804 (VCV004783804.1).
Genomic context (GRCh38, chr15:48,494,234, plus strand): 5'-AATGTATGGTTTATAAGTAATCAGAAATACCTTCACATTGTGTTCCTTTAATTCTTGAGT[AC>A]CCTTTACCACATATGGGATCTGTAATAAAAAGCGAAAAACAAAACAGAAAACAAATTTGA-3'

ClinVar aggregate classification (germline): Pathogenic (1 of 4 stars; one submission).

Conditions:
Marfan syndrome (MFS). Also called: FBN1-Related Marfan Syndrome; MARFAN SYNDROME, TYPE I; Marfan syndrome type 1; Marfan's syndrome; Marfan syndrome, classic. Identifiers: Orphanet 284963, Orphanet 558, MedGen C0024796, MONDO:0007947, OMIM 154700.
Familial thoracic aortic aneurysm and aortic dissection (TAAD). Also called: Thoracic aortic aneurysms and dissections. Identifiers: Orphanet 91387, MedGen C4707243, MONDO:0019625.

Submission:

Labcorp Genetics (formerly Invitae), Labcorp
Classification: Pathogenic for Marfan syndrome; Familial thoracic aortic aneurysm and aortic dissection. Last evaluated: 2025-04-10. Review status: criteria provided, single submitter. Criteria: Invitae Variant Classification Sherloc (09022015). Collection method: clinical testing. Allele origin: germline.
Comment: This sequence change creates a premature translational stop signal (p.Tyr900Thrfs*12) in the FBN1 gene. It is expected to result in an absent or disrupted protein product. Loss-of-function variants in FBN1 are known to be pathogenic (PMID: 17657824, 19293843). This variant is not present in population databases (gnomAD no frequency). This premature translational stop signal has been observed in individual(s) with Marfan syndrome (PMID: 25656438). For these reasons, this variant has been classified as Pathogenic.

Literature cited by the submitters: PubMed 17657824; PubMed 19293843; PubMed 25656438.